The following is an entry in ClinVar:

ClinVar aggregate classification (germline): Uncertain significance. Review status: criteria provided, multiple submitters, no conflicts (2 of 4 stars). 4 submissions from 4 submitters: Uncertain significance (4). Last evaluated 2025-03-06.

Conditions:
Cardiovascular phenotype. Identifiers: MedGen CN230736.

Allele frequency attached by ClinVar (database versions not stated): gnomAD exomes 0.00001; gnomAD 0.00001; TOPMed 0.00001.
gnomAD v4.1: 23 of 1,550,230 alleles (0.0015%); highest among the groups gnomAD compares: Non-Finnish European, 0.0018%; no homozygotes.

Submissions (4):

Ambry Genetics
Classification: Uncertain significance for Cardiovascular phenotype. Last evaluated: 2025-03-06. Review status: criteria provided, single submitter. Criteria: Ambry Variant Classification Scheme 2023. Collection method: clinical testing. Allele origin: germline.

GeneDx
Classification: Uncertain significance. Last evaluated: 2024-07-16. Review status: criteria provided, single submitter. Criteria: GeneDx Variant Classification Process June 2021. Collection method: clinical testing. Allele origin: germline. Affected: yes.
Comment: Not observed at significant frequency in large population cohorts (gnomAD); In silico analysis indicates that this missense variant does not alter protein structure/function; Has not been previously published as pathogenic or benign to our knowledge

Labcorp Genetics (formerly Invitae), Labcorp
Classification: Uncertain significance. Last evaluated: 2022-10-18. Review status: criteria provided, single submitter. Criteria: Invitae Variant Classification Sherloc (09022015). Collection method: clinical testing. Allele origin: germline.
Comment: This sequence change replaces alanine, which is neutral and non-polar, with glycine, which is neutral and non-polar, at codon 3758 of the ZNF469 protein (p.Ala3758Gly). This variant is present in population databases (rs749325593, gnomAD 0.002%). This variant has not been reported in the literature in individuals affected with ZNF469-related conditions. ClinVar contains an entry for this variant (Variation ID: 1503655). Algorithms developed to predict the effect of missense changes on protein structure and function are either unavailable or do not agree on the potential impact of this missense change (SIFT: "Deleterious"; PolyPhen-2: "Possibly Damaging"; Align-GVGD: "Class C0"). In summary, the available evidence is currently insufficient to determine the role of this variant in disease. Therefore, it has been classified as a Variant of Uncertain Significance.

Breakthrough Genomics
Classification: Uncertain significance. Review status: criteria provided, single submitter. Criteria: ACMG Guidelines, 2015. Collection method: not provided. Allele origin: germline. Inheritance: Autosomal recessive inheritance. Affected: yes.

NM_001367624.2(ZNF469):c.11357C>G (p.Ala3786Gly)

Gene: ZNF469 (zinc finger protein 469; plus strand). Cytogenetic location: 16q24.2.
Variant type: single nucleotide variant.
Coding change: c.11357C>G on transcript NM_001367624.2 (MANE Select); coding-DNA position 11357, C replaced by G.
Protein change: p.Ala3786Gly; replaces alanine 3786 with glycine.
Molecular consequence: missense variant.
Genome position (GRCh38, 1-based): chr16:88,438,827, C>G. VCF-style: chr16-88438827-C-G. GRCh37 (hg19) VCF-style: chr16-88505235-C-G.
Other names: NM_001127464.1:c.11273C>G; short protein forms A3786G.
Identifiers: ClinVar variation 1503655 (VCV001503655.8), dbSNP rs749325593, ClinGen allele CA286387960.